The following is an entry in ClinVar:

NM_133368.3(RSPRY1):c.1684C>T (p.Arg562Cys)

Gene: RSPRY1 (ring finger and SPRY domain containing 1; plus strand). Cytogenetic location: 16q13.
Variant type: single nucleotide variant.
Coding change: c.1684C>T on transcript NM_133368.3 (MANE Select); coding-DNA position 1684, C replaced by T.
Protein change: p.Arg562Cys; replaces arginine 562 with cysteine.
Molecular consequence: missense variant.
Genome position (GRCh38, 1-based): chr16:57,238,928, C>T. VCF-style: chr16-57238928-C-T. GRCh37 (hg19) VCF-style: chr16-57272840-C-T.
Other names: c.1684C>T, p.Arg562Cys (NM_001305163.2, NM_001305164.2); short protein forms R562C.
Identifiers: ClinVar variation 1995660 (VCV001995660.3), dbSNP rs1327464943, ClinGen allele CA396023339.

ClinVar aggregate classification (germline): Uncertain significance (1 of 4 stars; one submission).

Allele frequency attached by ClinVar (database versions not stated): gnomAD exomes below 0.00001.
gnomAD v4.1: 5 of 1,607,630 alleles (0.00031%); highest among the groups gnomAD compares: South Asian, 0.0011%; no homozygotes.

Submission:

Labcorp Genetics (formerly Invitae), Labcorp
Classification: Uncertain significance. Last evaluated: 2022-07-14. Review status: criteria provided, single submitter. Criteria: Invitae Variant Classification Sherloc (09022015). Collection method: clinical testing. Allele origin: germline.
Comment: In summary, the available evidence is currently insufficient to determine the role of this variant in disease. Therefore, it has been classified as a Variant of Uncertain Significance. Algorithms developed to predict the effect of missense changes on protein structure and function are either unavailable or do not agree on the potential impact of this missense change (SIFT: "Deleterious"; PolyPhen-2: "Probably Damaging"; Align-GVGD: "Class C0"). This variant has not been reported in the literature in individuals affected with RSPRY1-related conditions. This variant is present in population databases (no rsID available, gnomAD 0.0009%). This sequence change replaces arginine, which is basic and polar, with cysteine, which is neutral and slightly polar, at codon 562 of the RSPRY1 protein (p.Arg562Cys).